The following is an entry in ClinVar:

NM_000179.3(MSH6):c.1498G>A (p.Ala500Thr)

Gene: MSH6 (mutS homolog 6; plus strand). Cytogenetic location: 2p16.3.
Variant type: single nucleotide variant.
Coding change: c.1498G>A on transcript NM_000179.3 (MANE Select); coding-DNA position 1498, G replaced by A.
Protein change: p.Ala500Thr; replaces alanine 500 with threonine.
Molecular consequence: missense variant.
Genome position (GRCh38, 1-based): chr2:47,799,481, G>A. VCF-style: chr2-47799481-G-A. GRCh37 (hg19) VCF-style: chr2-48026620-G-A.
Other names: c.1108G>A, p.Ala370Thr (NM_001281492.2); c.592G>A, p.Ala198Thr (NM_001281493.2, NM_001281494.2); short protein forms A500T, A198T, A370T.
Identifiers: ClinVar variation 188181 (VCV000188181.27), dbSNP rs786204127, ClinGen allele CA008716.

ClinVar aggregate classification (germline): Conflicting classifications of pathogenicity. Review status: criteria provided, conflicting classifications (1 of 4 stars). 8 submissions from 8 submitters: Uncertain significance (7); Benign (1). Last evaluated 2026-02-03.

Conditions:
Hereditary cancer-predisposing syndrome. Also called: Neoplastic Syndromes, Hereditary; Tumor predisposition; Hereditary Cancer Syndrome; Hereditary neoplastic syndrome. Identifiers: Orphanet 140162, MedGen C0027672, MeSH D009386, MONDO:0015356.
Lynch syndrome. Identifiers: Orphanet 144, MedGen C4552100, MONDO:0005835. Disease mechanism: loss of function.
Hereditary nonpolyposis colorectal neoplasms. Identifiers: MedGen C0009405, MeSH D003123.

Allele frequency attached by ClinVar (database versions not stated): gnomAD exomes below 0.00001; TOPMed 0.00003; gnomAD 0.00005 and 0.00006.
gnomAD v4.1: 10 of 1,614,022 alleles (0.00062%); highest among the groups gnomAD compares: African/African-American, 0.013%; no homozygotes.

Submissions (8):

Labcorp Genetics (formerly Invitae), Labcorp
Classification: Benign for Hereditary nonpolyposis colorectal neoplasms. Last evaluated: 2026-02-03. Review status: criteria provided, single submitter. Criteria: Invitae Variant Classification Sherloc (09022015). Collection method: clinical testing. Allele origin: germline.

GeneDx
Classification: Uncertain significance. Last evaluated: 2025-08-20. Review status: criteria provided, single submitter. Criteria: GeneDx Variant Classification Process June 2021. Collection method: clinical testing. Allele origin: germline. Affected: yes.
Comment: Not observed at significant frequency in large population cohorts (gnomAD); In silico analysis suggests that this missense variant does not alter protein structure/function; Observed in an individual with prostate cancer (PMID: 32832836); This variant is associated with the following publications: (PMID: 22949387, 17531815, 21120944, 32832836)

Ambry Genetics
Classification: Uncertain significance for Hereditary cancer-predisposing syndrome. Last evaluated: 2023-10-05. Review status: criteria provided, single submitter. Criteria: Ambry Variant Classification Scheme 2023. Collection method: clinical testing. Allele origin: germline.
Comment: The p.A500T variant (also known as c.1498G>A), located in coding exon 4 of the MSH6 gene, results from a G to A substitution at nucleotide position 1498. The alanine at codon 500 is replaced by threonine, an amino acid with similar properties. This variant was identified in a cohort of 3,579 African males diagnosed with prostate cancer who underwent multi-gene panel testing of 19 DNA repair and cancer predisposition genes (Matejcic M et al. JCO Precis Oncol, 2020 Jan;4:32-43). This amino acid position is not well conserved in available vertebrate species. In addition, the in silico prediction for this alteration is inconclusive. Since supporting evidence is limited at this time, the clinical significance of this alteration remains unclear.

All of Us Research Program, National Institutes of Health
Classification: Uncertain significance for Lynch syndrome. Last evaluated: 2023-09-04. Review status: criteria provided, single submitter. Criteria: ACMG Guidelines, 2015. Collection method: clinical testing. Allele origin: germline. Inheritance: Autosomal dominant inheritance. Observed: 1 variant allele, 1 heterozygote.
Comment: This missense variant replaces alanine with threonine at codon 500 of the MSH6 protein. Computational prediction suggests that this variant may not impact protein structure and function (internally defined REVEL score threshold <= 0.5, PMID: 27666373). To our knowledge, functional studies have not been reported for this variant. This variant has not been reported in individuals affected with MSH6-related disorders in the literature. This variant has been identified in 3/282616 chromosomes in the general population by the Genome Aggregation Database (gnomAD). The available evidence is insufficient to determine the role of this variant in disease conclusively. Therefore, this variant is classified as a Variant of Uncertain Significance.

This study involves interpretation of variants in research participants for the purpose of population health screening. Participant phenotype was not available at the time of variant classification. Additional details can be found in publication PMID: 35346344, PMCID: PMC8962531

Color Diagnostics, LLC DBA Color Health
Classification: Uncertain significance for Hereditary cancer-predisposing syndrome. Last evaluated: 2023-08-23. Review status: criteria provided, single submitter. Criteria: ACMG Guidelines, 2015. Collection method: clinical testing. Allele origin: germline.
Comment: This missense variant replaces alanine with threonine at codon 500 of the MSH6 protein. Computational prediction suggests that this variant may not impact protein structure and function (internally defined REVEL score threshold <= 0.5, PMID: 27666373). To our knowledge, functional studies have not been reported for this variant. This variant has not been reported in individuals affected with MSH6-related disorders in the literature. This variant has been identified in 3/282616 chromosomes in the general population by the Genome Aggregation Database (gnomAD). The available evidence is insufficient to determine the role of this variant in disease conclusively. Therefore, this variant is classified as a Variant of Uncertain Significance.

Sema4
Classification: Uncertain significance for Hereditary cancer-predisposing syndrome. Last evaluated: 2022-02-15. Review status: criteria provided, single submitter. Criteria: Sema4 Curation Guidelines. Collection method: curation. Allele origin: germline.
Comment: The MSH6 c.1498G>A (p.A500T) variant has not been reported in the literature to our knowledge. It was observed in 3/24964 chromosomes of the African/African American subpopulation in the large and broad cohorts of the Genome Aggregation Database (PMID: 32461654). This variant has been reported in ClinVar (Variation ID 188181). Functional studies have not been performed, and in silico predictions of the variant's effect on protein function are inconclusive. The evidence is insufficient to meet ACMG/AMP criteria for classifying the variant as benign or pathogenic. Thus, the clinical significance of this variant is currently uncertain.

Quest Diagnostics Nichols Institute San Juan Capistrano
Classification: Uncertain significance. Last evaluated: 2019-03-27. Review status: criteria provided, single submitter. Criteria: Quest Diagnostics criteria. Collection method: clinical testing. Allele origin: germline.

GeneID Lab - Advanced Molecular Diagnostics
Classification: Uncertain significance for Lynch Syndrome. Last evaluated: 2017-09-07. Review status: criteria provided, single submitter. Criteria: ACMG Guidelines, 2015. Collection method: clinical testing. Allele origin: germline. Affected: no. Observed: 1 variant allele.

Literature cited by the submitters: PubMed 32832836 (cited by Ambry Genetics); PubMed 22949387 (cited by Quest Diagnostics Nichols Institute San Juan Capistrano).